The following is an entry in ClinVar:

NM_002230.4(JUP):c.161C>T (p.Thr54Met)

Gene: JUP (junction plakoglobin; minus strand). Cytogenetic location: 17q21.2.
Variant type: single nucleotide variant.
Coding change: c.161C>T on transcript NM_002230.4 (MANE Select); coding-DNA position 161, C replaced by T.
Protein change: p.Thr54Met; replaces threonine 54 with methionine.
Molecular consequence: missense variant.
Genome position (GRCh38, 1-based): chr17:41,771,694, G>A on the plus strand (C>T on the coding strand, the complement: JUP is on the minus strand). VCF-style: chr17-41771694-G-A. GRCh37 (hg19) VCF-style: chr17-39927946-G-A.
Other names: c.161C>T, p.Thr54Met (NM_001352773.2, NM_001352774.2, NM_001352775.2 and 3 more transcripts); short protein forms T54M.
Identifiers: ClinVar variation 373757 (VCV000373757.14), dbSNP rs782529328, ClinGen allele CA8565569.

ClinVar aggregate classification (germline): Uncertain significance. Review status: criteria provided, multiple submitters, no conflicts (2 of 4 stars). 6 submissions from 5 submitters: Uncertain significance (6). Last evaluated 2025-12-19.

Conditions:
Cardiovascular phenotype. Identifiers: MedGen CN230736.
Naxos disease (NXD). Also called: KERATOSIS PALMOPLANTARIS WITH ARRHYTHMOGENIC CARDIOMYOPATHY; MAL DE NAXOS; CARDIOMYOPATHY, ARRHYTHMOGENIC RIGHT VENTRICULAR, WITH SKIN, HAIR, AND NAIL ABNORMALITIES; PALMOPLANTAR KERATODERMA WITH ARRHYTHMOGENIC RIGHT VENTRICULAR CARDIOMYOPATHY AND WOOLLY HAIR; WOOLLY HAIR, PALMOPLANTAR KERATODERMA, AND CARDIAC ABNORMALITIES. Identifiers: Orphanet 34217, MedGen C1832600, MONDO:0011017, OMIM 601214.
Arrhythmogenic right ventricular dysplasia 12. Also called: ARRHYTHMOGENIC RIGHT VENTRICULAR DYSPLASIA, FAMILIAL, 12. Identifiers: MedGen C1969081, MONDO:0012684, OMIM 611528.

Allele frequency attached by ClinVar (database versions not stated): gnomAD 0.00004 and 0.00005; TOPMed 0.00006.
gnomAD v4.1: 55 of 1,613,982 alleles (0.0034%); highest among the groups gnomAD compares: Middle Eastern, 0.017%; no homozygotes.

Submissions (6):

Labcorp Genetics (formerly Invitae), Labcorp
Classification: Uncertain significance for Arrhythmogenic right ventricular dysplasia 12; Naxos disease. Last evaluated: 2025-12-19. Review status: criteria provided, single submitter. Criteria: Invitae Variant Classification Sherloc (09022015). Collection method: clinical testing. Allele origin: germline.
Comment: This sequence change replaces threonine, which is neutral and polar, with methionine, which is neutral and non-polar, at codon 54 of the JUP protein (p.Thr54Met). This variant is present in population databases (rs782529328, gnomAD 0.02%). This variant has not been reported in the literature in individuals affected with JUP-related conditions. ClinVar contains an entry for this variant (Variation ID: 373757). An algorithm developed to predict the effect of missense changes on protein structure and function outputs the following: PolyPhen-2: "Benign". The methionine amino acid residue is found in multiple mammalian species, which suggests that this missense change does not adversely affect protein function. In summary, the available evidence is currently insufficient to determine the role of this variant in disease. Therefore, it has been classified as a Variant of Uncertain Significance.

Department of Pathology and Laboratory Medicine, Sinai Health System
Classification: Uncertain significance for Naxos disease; Arrhythmogenic right ventricular dysplasia 12. Last evaluated: 2020-05-31. Review status: criteria provided, single submitter. Criteria: ACMG Guidelines, 2015. Collection method: research. Allele origin: germline.

Ambry Genetics
Classification: Uncertain significance for Cardiovascular phenotype. Last evaluated: 2018-12-11. Review status: criteria provided, single submitter. Criteria: Ambry Variant Classification Scheme 2023. Collection method: clinical testing. Allele origin: germline.
Comment: The p.T54M variant (also known as c.161C>T), located in coding exon 1 of the JUP gene, results from a C to T substitution at nucleotide position 161. The threonine at codon 54 is replaced by methionine, an amino acid with similar properties. This amino acid position is well conserved in available vertebrate species; however, methionine is the reference amino acid in other vertebrate species. In addition, this alteration is predicted to be tolerated by in silico analysis. Since supporting evidence is limited at this time, the clinical significance of this alteration remains unclear.

Illumina Laboratory Services, Illumina
Classification: Uncertain significance for Arrhythmogenic right ventricular dysplasia 12. Last evaluated: 2018-01-12. Review status: criteria provided, single submitter. Criteria: ICSL Variant Classification Criteria 13 December 2019. Collection method: clinical testing. Allele origin: germline.

Illumina Laboratory Services, Illumina
Classification: Uncertain significance for Naxos disease. Last evaluated: 2018-01-12. Review status: criteria provided, single submitter. Criteria: ICSL Variant Classification Criteria 13 December 2019. Collection method: clinical testing. Allele origin: germline.

GeneDx
Classification: Uncertain significance. Last evaluated: 2016-12-08. Review status: criteria provided, single submitter. Criteria: GeneDx Variant Classification (06012015). Collection method: clinical testing. Allele origin: germline. Affected: yes.
Comment: A variant of uncertain significance has been identified in the JUP gene. The T54M variant has not been published as a pathogenic variant, nor has it been reported as a benign variant to our knowledge. This variant was not observed in approximately 6,500 individuals of European and African American ancestry in the NHLBI Exome Sequencing Project, indicating it is not a common benign variant in these populations. The T54M variant is a non-conservative amino acid substitution, which is likely to impact secondary protein structure as these residues differ in polarity, charge, size and/or other properties. However, this substitution occurs at a position that is not conserved across species, and Methionine is the wild-type residue at this position in at least one mammalian species. In silico analysis is inconsistent in its predictions as to whether or not the variant is damaging to the protein structure/function. Therefore, based on the currently available information, it is unclear whether this variant is pathogenic or rare benign.